The following is an entry in ClinVar:

ClinVar aggregate classification (germline): Uncertain significance. Review status: criteria provided, multiple submitters, no conflicts (2 of 4 stars). 2 submissions from 2 submitters: Uncertain significance (2). Last evaluated 2022-05-15.

Conditions:
Hereditary cancer-predisposing syndrome. Also called: Hereditary neoplastic syndrome; Tumor predisposition; Hereditary Cancer Syndrome; Neoplastic Syndromes, Hereditary. Identifiers: Orphanet 140162, MedGen C0027672, MeSH D009386, MONDO:0015356.
Gastrointestinal stromal tumor. Also called: Gastrointestinal stroma tumor; Gastrointestinal stromal tumor, somatic. Identifiers: Orphanet 44890, MedGen C0238198, MeSH D046152, MONDO:0011719, OMIM 606764, HP:0100723.

Allele frequency attached by ClinVar (database versions not stated): gnomAD exomes below 0.00001; ExAC 0.00001.
gnomAD v4.1: 2 of 1,614,202 alleles (0.00012%); highest among the groups gnomAD compares: South Asian, 0.0011%; no homozygotes.

Submissions (2):

Ambry Genetics
Classification: Uncertain significance for Hereditary cancer-predisposing syndrome. Last evaluated: 2022-05-15. Review status: criteria provided, single submitter. Criteria: Ambry Variant Classification Scheme 2023. Collection method: clinical testing. Allele origin: germline.
Comment: The p.I107V variant (also known as c.319A>G), located in coding exon 2 of the KIT gene, results from an A to G substitution at nucleotide position 319. The isoleucine at codon 107 is replaced by valine, an amino acid with highly similar properties. This amino acid position is conserved. In addition, this alteration is predicted to be tolerated by in silico analysis. Since supporting evidence is limited at this time, the clinical significance of this alteration remains unclear.

Labcorp Genetics (formerly Invitae), Labcorp
Classification: Uncertain significance for Gastrointestinal stromal tumor. Last evaluated: 2021-07-15. Review status: criteria provided, single submitter. Criteria: Invitae Variant Classification Sherloc (09022015). Collection method: clinical testing. Allele origin: germline.
Comment: In summary, the available evidence is currently insufficient to determine the role of this variant in disease. Therefore, it has been classified as a Variant of Uncertain Significance. Algorithms developed to predict the effect of missense changes on protein structure and function output the following: SIFT: "Tolerated"; PolyPhen-2: "Benign"; Align-GVGD: "Class C0". The valine amino acid residue is found in multiple mammalian species, which suggests that this missense change does not adversely affect protein function. This variant has not been reported in the literature in individuals affected with KIT-related conditions. This variant is present in population databases (rs749024557, ExAC 0.006%). This sequence change replaces isoleucine with valine at codon 107 of the KIT protein (p.Ile107Val). The isoleucine residue is highly conserved and there is a small physicochemical difference between isoleucine and valine.

NM_000222.3(KIT):c.319A>G (p.Ile107Val)

Gene: KIT (KIT proto-oncogene, receptor tyrosine kinase; plus strand). Cytogenetic location: 4q12.
Variant type: single nucleotide variant.
Coding change: c.319A>G on transcript NM_000222.3 (MANE Select); coding-DNA position 319, A replaced by G.
Protein change: p.Ile107Val; replaces isoleucine 107 with valine.
Molecular consequence: missense variant.
Genome position (GRCh38, 1-based): chr4:54,695,763, A>G. VCF-style: chr4-54695763-A-G. GRCh37 (hg19) VCF-style: chr4-55561929-A-G.
Other names: c.319A>G, p.Ile107Val (NM_001093772.2, NM_001385284.1, NM_001385285.1 and 4 more transcripts); short protein forms I107V.
Identifiers: ClinVar variation 1465005 (VCV001465005.10), dbSNP rs749024557, ClinGen allele CA2923203.
Genomic context (GRCh38, chr4:54,695,763, plus strand): 5'-GCAGAAGCCACCAACACCGGCAAATACACGTGCACCAACAAACACGGCTTAAGCAATTCC[A>G]TTTATGTGTTTGTTAGAGGTAAATGCTTGGCTTTCTGCAGTGCTGTGCTTTCAAGAATTT-3'
Protein context (NP_000213.1, residues 97-117): CTNKHGLSNS[Ile107Val]YVFVRDPAKL